The following is an entry in ClinVar:

ClinVar aggregate classification (germline): Uncertain significance. Review status: criteria provided, multiple submitters, no conflicts (2 of 4 stars). 3 submissions from 3 submitters: Uncertain significance (3). Last evaluated 2019-11-22.

Allele frequency attached by ClinVar (database versions not stated): gnomAD exomes below 0.00001; TOPMed below 0.00001; gnomAD 0.00001.
gnomAD v4.1: 3 of 1,564,868 alleles (0.00019%); highest among the groups gnomAD compares: Non-Finnish European, 0.00026%; no homozygotes.

Submissions (3):

Revvity Omics, Revvity
Classification: Uncertain significance. Last evaluated: 2019-11-22. Review status: criteria provided, single submitter. Criteria: ACMG Guidelines, 2015. Collection method: clinical testing. Allele origin: germline.

Eurofins Ntd Llc (ga)
Classification: Uncertain significance. Last evaluated: 2018-05-31. Review status: criteria provided, single submitter. Criteria: EGL ClinVar v180209 classification definitions. Collection method: clinical testing. Allele origin: germline. Observed: 1 variant allele, 1 heterozygote.

Biesecker Lab/Clinical Genomics Section, National Institutes of Health
Classification: Uncertain significance. Last evaluated: 2013-06-24. Review status: criteria provided, single submitter. Criteria: Ng et al. (Circ Cardiovasc Genet. 2013). Collection method: research. Allele origin: unknown. Observed: 1 variant allele. Study: ClinSeq.
Comment: The study set was not selected for affection status in relation to any cancer. Pathogenicity categories were based on literature curation. See Pubmed ID:23861362 for details.

Medical sequencing

NM_001267550.2(TTN):c.40414C>A (p.Pro13472Thr)

Gene: TTN (titin; minus strand). Cytogenetic location: 2q31.2.
Variant type: single nucleotide variant.
Coding change: c.40414C>A on transcript NM_001267550.2 (MANE Select); coding-DNA position 40414, C replaced by A.
Protein change: p.Pro13472Thr; replaces proline 13472 with threonine.
Molecular consequence: missense variant. On other transcripts: intron variant (3).
Genome position (GRCh38, 1-based): chr2:178,644,611, G>T on the plus strand (C>A on the coding strand, the complement: TTN is on the minus strand). VCF-style: chr2-178644611-G-T. GRCh37 (hg19) VCF-style: chr2-179509338-G-T.
Other names: c.35491C>A, p.Pro11831Thr (NM_001256850.1); c.32710C>A, p.Pro10904Thr (NM_133378.4); c.13283-2294C>A (NM_003319.4); c.13859-2294C>A (NM_133437.4); c.13658-2294C>A (NM_133432.3); short protein forms P10904T, P13472T, P11831T.
Identifiers: ClinVar variation 191974 (VCV000191974.8), dbSNP rs199705789, ClinGen allele CA238004.